The following is an entry in ClinVar:

ClinVar aggregate classification (germline): Likely benign (1 of 4 stars; one submission).

Submission:

CeGaT Center for Human Genetics Tuebingen
Classification: Likely benign. Last evaluated: 2023-11-01. Review status: criteria provided, single submitter. Criteria: CeGaT Center For Human Genetics Tuebingen Variant Classification Criteria Version 2. Collection method: clinical testing. Allele origin: germline. Affected: yes. Observed: 1 variant allele.
Comment: ZNF875: PM2:Supporting, BP4, BP7

NM_001353803.2(ZNF875):c.1560C>A (p.Thr520=)

Gene: ZNF875 (zinc finger protein 875; plus strand). Cytogenetic location: 19q13.12.
Variant type: single nucleotide variant.
Coding change: c.1560C>A on transcript NM_001353803.2 (MANE Select); coding-DNA position 1560, C replaced by A.
Protein change: p.Thr520=; no amino-acid change (threonine 520 retained).
Molecular consequence: synonymous variant. On other transcripts: non-coding transcript variant (28).
Genome position (GRCh38, 1-based): chr19:37,363,412, C>A. VCF-style: chr19-37363412-C-A. GRCh37 (hg19) VCF-style: chr19-37854314-C-A.
Other names: c.1563C>A, p.Thr521= (NM_001329761.2, NM_001329762.2); c.1560C>A, p.Thr520= (NM_001329763.2, NM_001329764.2); c.1545C>A, p.Thr515= (NM_001329765.2, NM_001329766.2); c.1542C>A, p.Thr514= (NM_001329767.2); c.1521C>A, p.Thr507= (NM_001329768.2); c.1518C>A, p.Thr506= (NM_001329769.2); c.1503C>A, p.Thr501= (NM_001329770.2); c.1437C>A, p.Thr479= (NM_001329771.2, NM_001329772.2, NM_001329773.2); and 3 more.
Identifiers: ClinVar variation 2649772 (VCV002649772.24), dbSNP rs2040307698, ClinGen allele CA507333411.
Genomic context (GRCh38, chr19:37,363,412, plus strand): 5'-CTCAGGGGAGAAGCCATTTGTATGTGCTGAGTGTGGACGAGGCTTTAATGATAAGTCCAC[C>A]CTCATTTCACACCAGAGGACACATTCAGGGGAAAAGCCTTTTATGTGCAGGGAGTGTGGC-3'
Protein context (NP_001340732.1, residues 510-530): ECGRGFNDKS[Thr520=]LISHQRTHSG